The following is an entry in ClinVar:

NM_000138.5(FBN1):c.7271C>G (p.Ser2424Ter)

Gene: FBN1 (fibrillin 1; minus strand). Cytogenetic location: 15q21.1.
Variant type: single nucleotide variant.
Coding change: c.7271C>G on transcript NM_000138.5 (MANE Select); coding-DNA position 7271, C replaced by G.
Protein change: p.Ser2424Ter; replaces serine 2424 with a stop codon.
Molecular consequence: nonsense.
Genome position (GRCh38, 1-based): chr15:48,425,798, G>C on the plus strand (C>G on the coding strand, the complement: FBN1 is on the minus strand). VCF-style: chr15-48425798-G-C. GRCh37 (hg19) VCF-style: chr15-48717995-G-C.
Other names: c.7271C>G, p.Ser2424Ter (NM_001406716.1); short protein forms S2424*.
Identifiers: ClinVar variation 3755198 (VCV003755198.3).

ClinVar aggregate classification (germline): Pathogenic/Likely pathogenic. Review status: criteria provided, multiple submitters, no conflicts (2 of 4 stars). 2 submissions from 2 submitters: Pathogenic (1); Likely pathogenic (1). Last evaluated 2024-03-09.

Conditions:
FBN1-related disorder. Also called: FBN1-related disorders.
Marfan syndrome (MFS). Also called: MARFAN SYNDROME, TYPE I; Marfan syndrome type 1; Marfan's syndrome; Marfan syndrome, classic; FBN1-Related Marfan Syndrome. Identifiers: Orphanet 284963, Orphanet 558, MedGen C0024796, MONDO:0007947, OMIM 154700.
Familial thoracic aortic aneurysm and aortic dissection (TAAD). Also called: Thoracic aortic aneurysms and dissections. Identifiers: Orphanet 91387, MedGen C4707243, MONDO:0019625.

Submissions (2):

Labcorp Genetics (formerly Invitae), Labcorp
Classification: Pathogenic for Marfan syndrome; Familial thoracic aortic aneurysm and aortic dissection. Last evaluated: 2024-03-09. Review status: criteria provided, single submitter. Criteria: Invitae Variant Classification Sherloc (09022015). Collection method: clinical testing. Allele origin: germline.
Comment: This sequence change creates a premature translational stop signal (p.Ser2424*) in the FBN1 gene. It is expected to result in an absent or disrupted protein product. Loss-of-function variants in FBN1 are known to be pathogenic (PMID: 17657824, 19293843). This variant is not present in population databases (gnomAD no frequency). This variant has not been reported in the literature in individuals affected with FBN1-related conditions. For these reasons, this variant has been classified as Pathogenic.

Blueprint Genetics
Classification: Likely pathogenic for FBN1-related disorders. Last evaluated: 2021-05-12. Review status: criteria provided, single submitter. Criteria: ACMG Guidelines, 2015. Collection method: clinical testing. Allele origin: germline. Affected: yes. Observed: 1 variant allele.

Literature cited by the submitters: PubMed 17657824 (cited by Labcorp Genetics (formerly Invitae), Labcorp); PubMed 19293843 (cited by Labcorp Genetics (formerly Invitae), Labcorp).